The following is an entry in ClinVar:

NM_022464.5(SIL1):c.31A>G (p.Met11Val)

Gene: SIL1 (SIL1 nucleotide exchange factor; minus strand). Cytogenetic location: 5q31.2.
Variant type: single nucleotide variant.
Coding change: c.31A>G on transcript NM_022464.5 (MANE Select); coding-DNA position 31, A replaced by G.
Protein change: p.Met11Val; replaces methionine 11 with valine.
Molecular consequence: missense variant.
Genome position (GRCh38, 1-based): chr5:139,127,813, T>C on the plus strand (A>G on the coding strand, the complement: SIL1 is on the minus strand). VCF-style: chr5-139127813-T-C. GRCh37 (hg19) VCF-style: chr5-138463502-T-C.
Other names: c.31A>G (NM_022464.4); c.31A>G, p.Met11Val (NM_001037633.2); short protein forms M11V.
Identifiers: ClinVar variation 2036433 (VCV002036433.4), dbSNP rs370700427, ClinGen allele CA3432705.
Genomic context (GRCh38, chr5:139,127,813, plus strand): 5'-TGAGGCAGAAGGTGAAGCAGGCGGCCATCAGCAGCCCAAGCAGCATGCCCAGAGGAGCCA[T>C]CCTAGATGAAGGCAGGCTCTGGGGAGCCATAGTCAGGGACCTGCAGGTGCAAGCATAGAC-3'
Protein context (NP_071909.1, residues 1-21): MAPQSLPSSR[Met11Val]APLGMLLGLL

ClinVar aggregate classification (germline): Uncertain significance. Review status: criteria provided, multiple submitters, no conflicts (2 of 4 stars). 2 submissions from 2 submitters: Uncertain significance (2). Last evaluated 2022-06-17.

Conditions:
Marinesco-Sjögren syndrome (MSS). Also called: Marinesco-SjÃ¶gren syndrome; Marinesco-Sjogren Syndrome. Identifiers: Orphanet 559, MedGen C0024814, MONDO:0009567, OMIM 248800.

Allele frequency attached by ClinVar (database versions not stated): ExAC 0.00003; ESP Exome Variant Server 0.00008.

Submissions (2):

Labcorp Genetics (formerly Invitae), Labcorp
Classification: Uncertain significance for Marinesco-Sjögren syndrome. Last evaluated: 2022-06-17. Review status: criteria provided, single submitter. Criteria: Invitae Variant Classification Sherloc (09022015). Collection method: clinical testing. Allele origin: germline.
Comment: This sequence change replaces methionine, which is neutral and non-polar, with valine, which is neutral and non-polar, at codon 11 of the SIL1 protein (p.Met11Val). This variant is present in population databases (rs370700427, gnomAD 0.004%). This variant has not been reported in the literature in individuals affected with SIL1-related conditions. Algorithms developed to predict the effect of missense changes on protein structure and function output the following: SIFT: "Tolerated"; PolyPhen-2: "Benign"; Align-GVGD: "Class C0". The valine amino acid residue is found in multiple mammalian species, which suggests that this missense change does not adversely affect protein function. In summary, the available evidence is currently insufficient to determine the role of this variant in disease. Therefore, it has been classified as a Variant of Uncertain Significance.

Revvity Omics, Revvity
Classification: Uncertain significance for Marinesco-Sjögren syndrome. Last evaluated: 2019-06-24. Review status: criteria provided, single submitter. Criteria: ACMG Guidelines, 2015. Collection method: clinical testing. Allele origin: germline.